The following is an entry in ClinVar:

ClinVar aggregate classification (germline): Pathogenic (1 of 4 stars; one submission).

Conditions:
Spongy degeneration of central nervous system. Also called: ACY2 DEFICIENCY; AMINOACYLASE 2 DEFICIENCY; ASP DEFICIENCY; ASPA DEFICIENCY; ASPARTOACYLASE DEFICIENCY; CANAVAN-VAN BOGAERT-BERTRAND DISEASE. Identifiers: Orphanet 141, MedGen C0206307, MONDO:0010079, OMIM 271900.

Submission:

Labcorp Genetics (formerly Invitae), Labcorp
Classification: Pathogenic for Spongy degeneration of central nervous system. Last evaluated: 2022-02-08. Review status: criteria provided, single submitter. Criteria: Invitae Variant Classification Sherloc (09022015). Collection method: clinical testing. Allele origin: germline.
Comment: This variant is a gross deletion of the genomic region encompassing exon(s) 6 of the ASPA gene, which includes the termination codon. This deletion extends beyond the assayed region for this gene and therefore may encompass additional genes. While this deletion is not anticipated to lead to nonsense mediated decay, it is expected to alter mRNA translation or result in a truncated protein product. This variant has not been reported in the literature in individuals affected with ASPA-related conditions. This variant disrupts a region of the ASPA protein in which other variant(s) (p.Glu293Leufs*8) have been determined to be pathogenic (PMID: 8659549; Invitae). This suggests that this is a clinically significant region of the protein, and that variants that disrupt it are likely to be disease-causing. For these reasons, this variant has been classified as Pathogenic.

Literature cited by the submitters: PubMed 8659549.

NC_000017.10:g.(?_3402175)_(3402392_?)del

Gene: ASPA (aspartoacylase; plus strand). Cytogenetic location: 17p13.2.
Variant type: Deletion.
Identifiers: ClinVar variation 1454394 (VCV001454394.7).